The following is an entry in ClinVar:

NM_032122.5(DTNBP1):c.148G>C (p.Glu50Gln)

Gene: DTNBP1 (dystrobrevin binding protein 1; minus strand). Cytogenetic location: 6p22.3.
Variant type: single nucleotide variant.
Coding change: c.148G>C on transcript NM_032122.5 (MANE Select); coding-DNA position 148, G replaced by C.
Protein change: p.Glu50Gln; replaces glutamic acid 50 with glutamine.
Molecular consequence: missense variant. On other transcripts: 5 prime UTR variant (1), non-coding transcript variant (1), intron variant (2).
Genome position (GRCh38, 1-based): chr6:15,651,326, C>G on the plus strand (G>C on the coding strand, the complement: DTNBP1 is on the minus strand). VCF-style: chr6-15651326-C-G. GRCh37 (hg19) VCF-style: chr6-15651557-C-G.
Other names: c.-96G>C (NM_001271667.2, NM_183041.1); c.148G>C, p.Glu50Gln (NM_183040.2); c.56+11488G>C (NM_001271669.2); c.110+761G>C (NM_001271668.2); short protein forms E50Q.
Identifiers: ClinVar variation 2414184 (VCV002414184.6), dbSNP rs769110897, ClinGen allele CA3644237.

ClinVar aggregate classification (germline): Uncertain significance (1 of 4 stars; one submission).

Allele frequency attached by ClinVar (database versions not stated): gnomAD 0.00001; TOPMed 0.00001; ExAC 0.00002.
gnomAD v4.1: 13 of 1,611,172 alleles (0.00081%); highest among the groups gnomAD compares: South Asian, 0.014%; no homozygotes.

Submission:

Labcorp Genetics (formerly Invitae), Labcorp
Classification: Uncertain significance. Last evaluated: 2021-12-30. Review status: criteria provided, single submitter. Criteria: Invitae Variant Classification Sherloc (09022015). Collection method: clinical testing. Allele origin: germline.
Comment: In summary, the available evidence is currently insufficient to determine the role of this variant in disease. Therefore, it has been classified as a Variant of Uncertain Significance. This variant has not been reported in the literature in individuals affected with DTNBP1-related conditions. Algorithms developed to predict the effect of missense changes on protein structure and function are either unavailable or do not agree on the potential impact of this missense change (SIFT: "Deleterious"; PolyPhen-2: "Possibly Damaging"; Align-GVGD: "Class C0"). This variant is present in population databases (rs769110897, gnomAD 0.01%). This sequence change replaces glutamic acid, which is acidic and polar, with glutamine, which is neutral and polar, at codon 50 of the DTNBP1 protein (p.Glu50Gln).